The following is an entry in ClinVar:

NM_000441.2(SLC26A4):c.965del (p.Asn322fs)

Gene: SLC26A4 (solute carrier family 26 member 4; plus strand). Cytogenetic location: 7q22.3.
Variant type: Deletion.
Coding change: c.965del on transcript NM_000441.2 (MANE Select); coding-DNA position 965, one base deleted (A; older notation c.965delA).
Protein change: p.Asn322fs; shifts the reading frame from asparagine 322.
Molecular consequence: frameshift variant.
Genome position (GRCh38, 1-based): chr7:107,683,501, A deleted; the last of 7 consecutive A bases (chr7:107,683,495-107,683,501); deleting any one gives the same sequence. VCF-style (leftmost placement, unchanged base first): chr7-107683494-GA-G. GRCh37 (hg19) VCF-style: chr7-107323939-GA-G.
Other names: short protein forms N322fs.
Identifiers: ClinVar variation 3601791 (VCV003601791.1).

ClinVar aggregate classification (germline): Pathogenic (1 of 4 stars; one submission).

Conditions:
Autosomal recessive nonsyndromic hearing loss 4 (DFNB4). Also called: Deafness, autosomal recessive 4; FOXI1-Related Pendred Syndrome; KCNJ10-Related Pendred Syndrome; DEAFNESS, AUTOSOMAL RECESSIVE 4, WITH ENLARGED VESTIBULAR AQUEDUCT, DIGENIC; NEUROSENSORY NONSYNDROMIC RECESSIVE DEAFNESS 4; Nonsyndromic enlarged vestibular aqueduct (NSEVA). Identifiers: Orphanet 90636, MedGen C3538946, MONDO:0010933, OMIM 600791.

Submission:

Institute of Rare Diseases, West China Hospital, Sichuan University
Classification: Pathogenic for Autosomal recessive nonsyndromic hearing loss 4. Last evaluated: 2025-01-09. Review status: criteria provided, single submitter. Criteria: ClinGen HL ACMG Specifications v1. Collection method: research. Allele origin: germline. Affected: yes.
Comment: PVS1;PM3;PP4;PM2_Supporting